The following is an entry in ClinVar:

NM_022089.4(ATP13A2):c.3041_3043dup (p.Gly1014dup)

Gene: ATP13A2 (ATPase cation transporting 13A2; minus strand). Cytogenetic location: 1p36.13.
Variant type: Duplication.
Coding change: c.3041_3043dup on transcript NM_022089.4 (MANE Select); coding-DNA positions 3041 to 3043, 3 bases duplicated (GCG; older notation c.3041_3043dupGCG).
Protein change: p.Gly1014dup; duplicates glycine 1014.
Molecular consequence: inframe insertion.
Genome position (GRCh38, 1-based): chr1:16,987,086-16,987,088, CGC duplicated on the plus strand (GCG on the coding strand, the reverse complement: ATP13A2 is on the minus strand); duplicating any 3 consecutive bases within chr1:16,987,086-16,987,090 gives the same sequence; the c. name uses the placement nearest the transcript's 3' end. VCF-style (leftmost placement, unchanged base first): chr1-16987085-A-ACGC. GRCh37 (hg19) VCF-style: chr1-17313580-A-ACGC.
Other names: c.3026_3028dup, p.Gly1009dup (NM_001141973.3); c.2909_2911dup, p.Gly970dup (NM_001141974.3).
Identifiers: ClinVar variation 1460949 (VCV001460949.6), dbSNP rs2100654427, ClinGen allele CA2573130749.

ClinVar aggregate classification (germline): Uncertain significance (1 of 4 stars; one submission).

Conditions:
Kufor-Rakeb syndrome (KRS). Also called: PARKINSON DISEASE 9, AUTOSOMAL RECESSIVE, JUVENILE-ONSET. Identifiers: Orphanet 306674, Orphanet 314632, MedGen C1847640, MONDO:0011706, OMIM 606693.
Autosomal recessive spastic paraplegia type 78. Identifiers: Orphanet 513436, MedGen C5567893, MONDO:0014975, OMIM 617225.

Submission:

Labcorp Genetics (formerly Invitae), Labcorp
Classification: Uncertain significance for Kufor-Rakeb syndrome; Autosomal recessive spastic paraplegia type 78. Last evaluated: 2021-10-12. Review status: criteria provided, single submitter. Criteria: Invitae Variant Classification Sherloc (09022015). Collection method: clinical testing. Allele origin: germline.
Comment: This variant, c.3041_3043dup, results in the insertion of 1 amino acid(s) to the ATP13A2 protein (p.Gly1014dup), but otherwise preserves the integrity of the reading frame. This variant is not present in population databases (ExAC no frequency). This variant has been observed in individual(s) with clinical features of Kufor-Rakeb syndrome (Invitae). In at least one individual the data is consistent with the variant being in trans (on the opposite chromosome) from a pathogenic variant. Experimental studies and prediction algorithms are not available or were not evaluated, and the functional significance of this variant is currently unknown. In summary, the available evidence is currently insufficient to determine the role of this variant in disease. Therefore, it has been classified as a Variant of Uncertain Significance.